The following is an entry in ClinVar:

ClinVar aggregate classification (germline): Uncertain significance (1 of 4 stars; one submission).

Conditions:
Hereditary cancer-predisposing syndrome. Also called: Neoplastic Syndromes, Hereditary; Tumor predisposition; Hereditary neoplastic syndrome; Hereditary Cancer Syndrome. Identifiers: Orphanet 140162, MedGen C0027672, MeSH D009386, MONDO:0015356.
Cardiovascular phenotype. Identifiers: MedGen CN230736.

Submission:

Ambry Genetics
Classification: Uncertain significance for Cardiovascular phenotype; Hereditary cancer-predisposing syndrome. Last evaluated: 2023-02-03. Review status: criteria provided, single submitter. Criteria: Ambry Variant Classification Scheme 2023. Collection method: clinical testing. Allele origin: germline.
Comment: The p.S1502C variant (also known as c.4505C>G), located in coding exon 33 of the NF1 gene, results from a C to G substitution at nucleotide position 4505. The serine at codon 1502 is replaced by cysteine, an amino acid with dissimilar properties. This amino acid position is conserved. In addition, this alteration is predicted to be deleterious by in silico analysis. Since supporting evidence is limited at this time, the clinical significance of this alteration remains unclear.

NM_001042492.3(NF1):c.4568C>G (p.Ser1523Cys)

Gene: NF1 (neurofibromin 1; plus strand). Cytogenetic location: 17q11.2.
Variant type: single nucleotide variant.
Coding change: c.4568C>G on transcript NM_001042492.3 (MANE Select); coding-DNA position 4568, C replaced by G.
Protein change: p.Ser1523Cys; replaces serine 1523 with cysteine.
Molecular consequence: missense variant.
Genome position (GRCh38, 1-based): chr17:31,260,506, C>G. VCF-style: chr17-31260506-C-G. GRCh37 (hg19) VCF-style: chr17-29587524-C-G.
Other names: c.4505C>G, p.Ser1502Cys (NM_000267.4); short protein forms S1502C, S1523C.
Identifiers: ClinVar variation 2452300 (VCV002452300.2), dbSNP rs2151464848, ClinGen allele CA398999939.